The following is an entry in ClinVar:

NM_015374.3(SUN2):c.1190+6G>A

Genes: GTPBP1 (GTP binding protein 1; plus strand), SUN2 (Sad1 and UNC84 domain containing 2; minus strand). Cytogenetic location: 22q13.1.
Variant type: single nucleotide variant.
Coding change: c.1190+6G>A on transcript NM_015374.3 (MANE Select); 6 bases into the intron after coding-DNA position 1190, G replaced by A.
Molecular consequence: intron variant.
Genome position (GRCh38, 1-based): chr22:38,741,001, C>T on the plus strand (G>A on the coding strand, the complement: SUN2 is on the minus strand). VCF-style: chr22-38741001-C-T. GRCh37 (hg19) VCF-style: chr22-39137006-C-T.
Other names: c.698+6G>A (NM_001394443.1); c.1100+6G>A (NM_001394438.1); c.1052+6G>A (NM_001394439.1, NM_001394441.1, NM_001394440.1); c.615-569G>A (NM_001394444.1, NM_001394445.1); c.814-591G>A (NM_001394442.1); c.1190+6G>A (NM_001394437.1, NM_001394434.1, NM_001394435.1 and 5 more transcripts); c.1283+6G>A (NM_001394427.1); c.1253+6G>A (NM_001199579.2, NM_001394428.1); and 1 more.
Identifiers: ClinVar variation 1374596 (VCV001374596.6), dbSNP rs762466396, ClinGen allele CA10235636.

ClinVar aggregate classification (germline): Uncertain significance (1 of 4 stars; one submission).

Conditions:
Emery-Dreifuss muscular dystrophy (EDMD). Also called: Scapuloperoneal syndrome, X-linked (formerly); Humeroperoneal neuromuscular disease, (formerly). Identifiers: Orphanet 261, MedGen C0410189, MONDO:0016830.

Allele frequency attached by ClinVar (database versions not stated): gnomAD 0.00007 and 0.00008; gnomAD exomes 0.00008 and 0.00009; TOPMed 0.00008; ExAC 0.00022.
gnomAD v4.1: 131 of 1,591,206 alleles (0.0082%); highest among the groups gnomAD compares: Non-Finnish European, 0.011%; no homozygotes.

Submission:

Labcorp Genetics (formerly Invitae), Labcorp
Classification: Uncertain significance for Emery-Dreifuss muscular dystrophy. Last evaluated: 2025-12-17. Review status: criteria provided, single submitter. Criteria: Invitae Variant Classification Sherloc (09022015). Collection method: clinical testing. Allele origin: germline.
Comment: This sequence change falls in intron 11 of the SUN2 gene. It does not directly change the encoded amino acid sequence of the SUN2 protein. It affects a nucleotide within the consensus splice site. This variant is present in population databases (rs762466396, gnomAD 0.02%). This variant has not been reported in the literature in individuals affected with SUN2-related conditions. ClinVar contains an entry for this variant (Variation ID: 1374596). Variants that disrupt the consensus splice site are a relatively common cause of aberrant splicing (PMID: 17576681, 9536098). Algorithms developed to predict the effect of sequence changes on RNA splicing suggest that this variant is not likely to affect RNA splicing. In summary, the available evidence is currently insufficient to determine the role of this variant in disease. Therefore, it has been classified as a Variant of Uncertain Significance.

Literature cited by the submitters: PubMed 17576681; PubMed 9536098.